The following is an entry in ClinVar:

NM_000214.3(JAG1):c.2625del (p.Lys875fs)

Gene: JAG1 (jagged canonical Notch ligand 1; minus strand). Cytogenetic location: 20p12.2.
Variant type: Deletion.
Coding change: c.2625del on transcript NM_000214.3 (MANE Select); coding-DNA position 2625, one base deleted (A; older notation c.2625delA).
Protein change: p.Lys875fs; shifts the reading frame from lysine 875.
Molecular consequence: frameshift variant.
Genome position (GRCh38, 1-based): chr20:10,641,840, T deleted on the plus strand (A on the coding strand, the reverse complement: JAG1 is on the minus strand); the first of 3 consecutive T bases (chr20:10,641,840-10,641,842); deleting any one gives the same sequence. VCF-style (leftmost placement, unchanged base first): chr20-10641839-AT-A. GRCh37 (hg19) VCF-style: chr20-10622487-AT-A.
Other names: c.2625delA (NM_000214.3); short protein forms K875fs.
Identifiers: ClinVar variation 2575048 (VCV002575048.2), dbSNP rs2514509570, ClinGen allele CA2580614998.

ClinVar aggregate classification (germline): Pathogenic. Review status: criteria provided, single submitter (1 of 4 stars). 2 submissions from 2 submitters: Pathogenic (1). 1 of the submissions does not count toward it. Last evaluated 2026-04-06.

Conditions:
Alagille syndrome due to a JAG1 point mutation. Also called: HEPATIC DUCTULAR HYPOPLASIA, SYNDROMATIC; Alagille Syndrome 1; JAG1-Related Alagille Syndrome. Identifiers: Orphanet 261619, Orphanet 52, MedGen C1956125, MONDO:0016862, OMIM 118450.
Focal segmental glomerulosclerosis 7 (FSGS7). Identifiers: Orphanet 656, MedGen C4014925, MONDO:0014451, OMIM 616002.

Submissions (2):

Molecular Lab, University of Sulaimaniyah
Classification: Pathogenic for Focal segmental glomerulosclerosis 7. Last evaluated: 2026-04-06. Review status: criteria provided, single submitter. Criteria: ACMG Guidelines, 2015. Collection method: research. Allele origin: germline. Inheritance: Autosomal dominant inheritance. Affected: yes. Observed: 1 variant allele, 1 homozygote.
Comment: This variant was classified using the ACMG/AMP 2015 framework (PMID:25741868). PVS1 was applied because JAG1 c.2625delA is predicted to cause a frameshift and premature termination. PM2 was considered because the variant is absent or rare in population databases. PP4 was used as supporting case-level evidence because the variant was observed in an affected individual from a biopsy-proven focal segmental glomerulosclerosis cohort. As internal case-level support, the variant was observed in 1 affected individual(s) among 35 individuals tested, including 1 single heterozygote. No functional assay evidence is submitted. Overall, the submitted evidence supported a Pathogenic classification.

Genomics And Bioinformatics Analysis Resource, Columbia University
Classification: Likely pathogenic for Alagille syndrome due to a JAG1 point mutation. Review status: no assertion criteria provided. Collection method: research. Allele origin: unknown. Affected: yes. Not counted in ClinVar's aggregate classification.